The following is an entry in ClinVar:

NM_000197.2(HSD17B3):c.571C>T (p.Pro191Ser)

Genes: HSD17B3 (hydroxysteroid 17-beta dehydrogenase 3; minus strand), SLC35D2-HSD17B3 (SLC35D2-HSD17B3 readthrough; minus strand). Cytogenetic location: 9q22.32.
Variant type: single nucleotide variant.
Coding change: c.571C>T on transcript NM_000197.2 (MANE Select); coding-DNA position 571, C replaced by T.
Protein change: p.Pro191Ser; replaces proline 191 with serine.
Molecular consequence: missense variant. On other transcripts: non-coding transcript variant (1).
Genome position (GRCh38, 1-based): chr9:96,245,380, G>A on the plus strand (C>T on the coding strand, the complement: HSD17B3 is on the minus strand). VCF-style: chr9-96245380-G-A. GRCh37 (hg19) VCF-style: chr9-99007662-G-A.
Other names: short protein forms P191S.
Identifiers: ClinVar variation 3907200 (VCV003907200.1).

ClinVar aggregate classification (germline): Uncertain significance (1 of 4 stars; one submission).

gnomAD v4.1: 3 of 1,614,140 alleles (0.00019%); highest among the groups gnomAD compares: Admixed American, 0.0033%; no homozygotes.

Submission:

Women's Health and Genetics/Laboratory Corporation of America, LabCorp
Classification: Uncertain significance. Last evaluated: 2025-06-11. Review status: criteria provided, single submitter. Criteria: LabCorp Variant Classification Summary - May 2015. Collection method: clinical testing. Allele origin: germline.
Comment: Variant summary: HSD17B3 c.571C>T (p.Pro191Ser) results in a non-conservative amino acid change in the encoded protein sequence. Algorithms developed to predict the effect of missense changes on protein structure and function all suggest that this variant is likely to be disruptive. The variant allele was found at a frequency of 8e-06 in 251330 control chromosomes. c.571C>T has been observed in the compound heterozygous state in at least one individual affected with Testosterone 17-beta-dehydrogenase deficiency (Wang_2023). These data do not allow any conclusion about variant significance. At least one publication reports experimental evidence evaluating an impact on protein function. The most pronounced variant effect results in ~23% of normal activity (Wang_2023). The following publication have been ascertained in the context of this evaluation (PMID: 38425490). No submitters have cited clinical-significance assessments for this variant to ClinVar. Based on the evidence outlined above, the variant was classified as VUS-possibly pathogenic.

Literature cited by the submitters: PubMed 38425490.